The following is an entry in ClinVar:

ClinVar aggregate classification (germline): Likely benign. Review status: criteria provided, multiple submitters, no conflicts (2 of 4 stars). 3 submissions from 3 submitters: Likely benign (3). Last evaluated 2026-04-17.

Conditions:
ABCA4-related disorder. Also called: ABCA4-related condition; ABCA4-related disorders. Identifiers: MedGen CN239167.

Allele frequency attached by ClinVar (database versions not stated): gnomAD exomes 0.00002 and 0.00003; TOPMed 0.00002; ExAC 0.00003; gnomAD 0.00003; 1000 Genomes Project 30x 0.00016; 1000 Genomes Project 0.00020.
gnomAD v4.1: 45 of 1,614,196 alleles (0.0028%); highest among the groups gnomAD compares: Non-Finnish European, 0.0034%; no homozygotes.

Submissions (3):

PreventionGenetics, part of Exact Sciences
Classification: Likely benign for ABCA4-related condition. Last evaluated: 2026-04-17. Review status: criteria provided, single submitter. Criteria: ACMG Guidelines, 2015. Collection method: clinical testing. Allele origin: germline.
Comment: This variant is classified as likely benign based on ACMG/AMP sequence variant interpretation guidelines (Richards et al. 2015 PMID: 25741868, with internal and published modifications).

Labcorp Genetics (formerly Invitae), Labcorp
Classification: Likely benign. Last evaluated: 2025-02-28. Review status: criteria provided, single submitter. Criteria: Invitae Variant Classification Sherloc (09022015). Collection method: clinical testing. Allele origin: germline.

Blueprint Genetics
Classification: Likely benign. Last evaluated: 2024-01-18. Review status: criteria provided, single submitter. Criteria: ACMG Guidelines, 2015. Collection method: clinical testing. Allele origin: germline.

NM_000350.3(ABCA4):c.6189C>T (p.Tyr2063=)

Gene: ABCA4 (ATP binding cassette subfamily A member 4; minus strand). Cytogenetic location: 1p22.1.
Variant type: single nucleotide variant.
Coding change: c.6189C>T on transcript NM_000350.3 (MANE Select); coding-DNA position 6189, C replaced by T.
Protein change: p.Tyr2063=; no amino-acid change (tyrosine 2063 retained).
Molecular consequence: synonymous variant.
Genome position (GRCh38, 1-based): chr1:94,001,951, G>A on the plus strand (C>T on the coding strand, the complement: ABCA4 is on the minus strand). VCF-style: chr1-94001951-G-A. GRCh37 (hg19) VCF-style: chr1-94467507-G-A.
Other names: c.5967C>T, p.Tyr1989= (NM_001425324.1).
Identifiers: ClinVar variation 750515 (VCV000750515.10), dbSNP rs534179486, ClinGen allele CA956993.
Genomic context (GRCh38, chr1:94,001,951, plus strand): 5'-GATGGCTGTGGAGAGTTTCCGCTTGTTGCCCCCACTGTACGTGCCAGCCAGGCAGTCGGC[G>A]TAGACAGTCAGGCCCAGGCTCTTAATACTCCAGTTTGCAACCTAGGGAAGAGAAAGAAAT-3'
Protein context (NP_000341.2, residues 2053-2073): WSIKSLGLTV[Tyr2063=]ADCLAGTYSG